The following is an entry in ClinVar:

NM_024596.5(MCPH1):c.2294C>G (p.Ser765Trp)

Genes: MCPH1-AS1 (MCPH1 antisense RNA 1; minus strand), MCPH1 (microcephalin 1; plus strand). Cytogenetic location: 8p23.1.
Variant type: single nucleotide variant.
Coding change: c.2294C>G on transcript NM_024596.5 (MANE Select); coding-DNA position 2294, C replaced by G.
Protein change: p.Ser765Trp; replaces serine 765 with tryptophan.
Molecular consequence: missense variant. On other transcripts: non-coding transcript variant (1).
Genome position (GRCh38, 1-based): chr8:6,621,533, C>G. VCF-style: chr8-6621533-C-G. GRCh37 (hg19) VCF-style: chr8-6479054-C-G.
Other names: c.2294C>G, p.Ser765Trp (NM_001322042.2, NM_001363979.1); c.2015C>G, p.Ser672Trp (NM_001363980.2); short protein forms S765W, S672W.
Identifiers: ClinVar variation 363562 (VCV000363562.8), dbSNP rs200820759, ClinGen allele CA4611490.

ClinVar aggregate classification (germline): Uncertain significance. Review status: criteria provided, multiple submitters, no conflicts (2 of 4 stars). 4 submissions from 4 submitters: Uncertain significance (4). Last evaluated 2024-03-21.

Conditions:
Inborn genetic diseases. Identifiers: MedGen C0950123, MeSH D030342.
Microcephaly 1, primary, autosomal recessive (MCPH1). Also called: PREMATURE CHROMOSOME CONDENSATION SYNDROME; PCC SYNDROME; PREMATURE CHROMOSOME CONDENSATION WITH MICROCEPHALY AND MENTAL RETARDATION. Identifiers: Orphanet 2512, MedGen C1855081, MONDO:0009617, OMIM 251200.

Allele frequency attached by ClinVar (database versions not stated): gnomAD 0.00027; TOPMed 0.00027; ESP Exome Variant Server 0.00032; ExAC 0.00041.
gnomAD v4.1: 341 of 1,614,218 alleles (0.021%); highest among the groups gnomAD compares: Non-Finnish European, 0.025%; no homozygotes.

Submissions (4):

Ambry Genetics
Classification: Uncertain significance for Inborn genetic diseases. Last evaluated: 2024-03-21. Review status: criteria provided, single submitter. Criteria: Ambry Variant Classification Scheme 2023. Collection method: clinical testing. Allele origin: germline.

Labcorp Genetics (formerly Invitae), Labcorp
Classification: Uncertain significance. Last evaluated: 2022-10-24. Review status: criteria provided, single submitter. Criteria: Invitae Variant Classification Sherloc (09022015). Collection method: clinical testing. Allele origin: germline.
Comment: This sequence change replaces serine, which is neutral and polar, with tryptophan, which is neutral and slightly polar, at codon 765 of the MCPH1 protein (p.Ser765Trp). This variant is present in population databases (rs200820759, gnomAD 0.06%). This variant has not been reported in the literature in individuals affected with MCPH1-related conditions. ClinVar contains an entry for this variant (Variation ID: 363562). Advanced modeling of protein sequence and biophysical properties (such as structural, functional, and spatial information, amino acid conservation, physicochemical variation, residue mobility, and thermodynamic stability) performed at Invitae indicates that this missense variant is expected to disrupt MCPH1 protein function. In summary, the available evidence is currently insufficient to determine the role of this variant in disease. Therefore, it has been classified as a Variant of Uncertain Significance.

Baylor Genetics
Classification: Uncertain significance for Microcephaly 1, primary, autosomal recessive. Last evaluated: 2018-03-15. Review status: criteria provided, single submitter. Criteria: ACMG Guidelines, 2015. Collection method: clinical testing. Allele origin: unknown. Affected: yes.
Comment: This variant was determined to be of uncertain significance according to ACMG Guidelines, 2015 [PMID:25741868].

Illumina Laboratory Services, Illumina
Classification: Uncertain significance for Microcephaly 1, primary, autosomal recessive. Last evaluated: 2018-01-13. Review status: criteria provided, single submitter. Criteria: ICSL Variant Classification Criteria 13 December 2019. Collection method: clinical testing. Allele origin: germline.